The following is an entry in ClinVar:

ClinVar aggregate classification (germline): Benign. Review status: reviewed by expert panel (3 of 4 stars). 14 submissions from 14 submitters: Benign (1). 13 of the submissions do not count toward it. Last evaluated 2024-12-06.

Conditions:
Mucopolysaccharidosis type 1. Also called: IDUA deficiency; MPS I; Mucopolysaccharidosis Type I. Identifiers: Orphanet 579, MedGen C0023786, MONDO:0001586.

Allele frequency attached by ClinVar (database versions not stated): ESP Exome Variant Server 0.14786; gnomAD 0.16540; TOPMed 0.17262; 1000 Genomes Project 30x 0.21596; 1000 Genomes Project 0.21865.

Submissions (14):

ClinGen Lysosomal Storage Disorder Variant Curation Expert Panel
Classification: Benign for Mucopolysaccharidosis type 1. Last evaluated: 2024-12-06. Review status: reviewed by expert panel. Criteria: ClinGen LSD ACMG Specifications IDUA V1.0.0. Collection method: curation. Allele origin: germline. Inheritance: Autosomal recessive inheritance.
Comment: The NM_000203.5: c.1164G>C (p.Thr388=) variant is a synonymous (silent) variant. The highest population minor allele frequency in gnomAD v4.1.0 is 0.2976 (25114/84382 alleles; 3978 homozygotes; Grpmax Filtering AF 95% confidence = 0.2945) in the South Asian population, which is higher than the ClinGen Lysosomal Diseases VCEP’s threshold for BA1 (>0.005), and therefore meets this criterion (BA1). There is a ClinVar entry for this variant (Variation ID: 92625). In summary, this variant meets the criteria to be classified as benign for MPS I based on the ACMG/AMP criteria applied, as specified by the ClinGen Lysosomal Diseases Variant Curation Expert Panel (Specifications Version 1.0.0): BA1. (Classification approved by the ClinGen Lysosomal Diseases Variant Curation Expert Panel on December 6, 2024)

Labcorp Genetics (formerly Invitae), Labcorp
Classification: Benign for Mucopolysaccharidosis type 1. Last evaluated: 2026-02-04. Review status: criteria provided, single submitter. Criteria: Invitae Variant Classification Sherloc (09022015). Collection method: clinical testing. Allele origin: germline. Not counted in ClinVar's aggregate classification.

Blueprint Genetics
Classification: Benign. Last evaluated: 2024-11-26. Review status: criteria provided, single submitter. Criteria: ACMG Guidelines, 2015. Collection method: clinical testing. Allele origin: germline. Not counted in ClinVar's aggregate classification.

GeneDx
Classification: Benign. Last evaluated: 2018-08-29. Review status: criteria provided, single submitter. Criteria: GeneDx Variant Classification Process June 2021. Collection method: clinical testing. Allele origin: germline. Affected: yes. Not counted in ClinVar's aggregate classification.
Comment: This variant is associated with the following publications: (PMID: 16438163, 28649516, 9391892, 12509712)

Illumina Laboratory Services, Illumina
Classification: Benign for Mucopolysaccharidosis type 1. Last evaluated: 2018-01-13. Review status: criteria provided, single submitter. Criteria: ICSL Variant Classification Criteria 13 December 2019. Collection method: clinical testing. Allele origin: germline. Not counted in ClinVar's aggregate classification.
Comment: This variant was observed in the ICSL laboratory as part of a predisposition screen in an ostensibly healthy population. It had not been previously curated by ICSL or reported in the Human Gene Mutation Database (HGMD: prior to June 1st, 2018), and was therefore a candidate for classification through an automated scoring system. Utilizing variant allele frequency, disease prevalence and penetrance estimates, and inheritance mode, an automated score was calculated to assess if this variant is too frequent to cause the disease. Based on the score and internal cut-off values, a variant classified as benign is not then subjected to further curation. The score for this variant resulted in a classification of benign for this disease.

Eurofins Ntd Llc (ga)
Classification: Benign. Last evaluated: 2017-11-02. Review status: criteria provided, single submitter. Criteria: EGL Classification Definitions 2015. Collection method: clinical testing. Allele origin: germline. Observed: 39 variant alleles, 33 heterozygotes, 6 homozygotes. Not counted in ClinVar's aggregate classification.

Women's Health and Genetics/Laboratory Corporation of America, LabCorp
Classification: Benign. Last evaluated: 2016-01-15. Review status: criteria provided, single submitter. Criteria: LabCorp Variant Classification Summary - May 2015. Collection method: clinical testing. Allele origin: germline. Not counted in ClinVar's aggregate classification.

Breakthrough Genomics
Classification: Benign. Review status: criteria provided, single submitter. Criteria: ACMG Guidelines, 2015. Collection method: not provided. Allele origin: germline. Inheritance: Autosomal recessive inheritance. Affected: yes. Not counted in ClinVar's aggregate classification.

PreventionGenetics, part of Exact Sciences
Classification: Benign. Review status: criteria provided, single submitter. Criteria: ACMG Guidelines, 2015. Collection method: clinical testing. Allele origin: germline. Not counted in ClinVar's aggregate classification.

Natera, Inc.
Classification: Benign for Mucopolysaccharidosis type I. Last evaluated: 2017-08-08. Review status: no assertion criteria provided. Collection method: clinical testing. Allele origin: germline. Not counted in ClinVar's aggregate classification.

Mayo Clinic Laboratories, Mayo Clinic
Classification: Benign. Last evaluated: 2016-02-02. Review status: no assertion criteria provided. Collection method: clinical testing. Allele origin: unknown. Not counted in ClinVar's aggregate classification.

Clinical Genetics DNA and cytogenetics Diagnostics Lab, Erasmus MC, Erasmus Medical Center
Classification: Benign. Review status: no assertion criteria provided. Collection method: clinical testing. Allele origin: germline. Affected: yes. Study: VKGL Data-share Consensus. Not counted in ClinVar's aggregate classification.

Clinical Genetics, Academic Medical Center
Classification: Benign. Review status: no assertion criteria provided. Collection method: clinical testing. Allele origin: germline. Affected: yes. Study: VKGL Data-share Consensus. Not counted in ClinVar's aggregate classification.

Diagnostic Laboratory, Department of Genetics, University Medical Center Groningen
Classification: Benign. Review status: no assertion criteria provided. Collection method: clinical testing. Allele origin: germline. Affected: yes. Study: VKGL Data-share Consensus. Not counted in ClinVar's aggregate classification.

Literature cited by the submitters: PubMed 12509712 (cited by Women's Health and Genetics/Laboratory Corporation of America, LabCorp).

NM_000203.5(IDUA):c.1164G>C (p.Thr388=)

Gene: IDUA (alpha-L-iduronidase; plus strand). Cytogenetic location: 4p16.3.
Variant type: single nucleotide variant.
Coding change: c.1164G>C on transcript NM_000203.5 (MANE Select); coding-DNA position 1164, G replaced by C.
Protein change: p.Thr388=; no amino-acid change (threonine 388 retained).
Molecular consequence: synonymous variant. On other transcripts: non-coding transcript variant (1).
Genome position (GRCh38, 1-based): chr4:1,002,460, G>C. VCF-style: chr4-1002460-G-C. GRCh37 (hg19) VCF-style: chr4-996248-G-C.
Other names: NM_000203.5(IDUA):c.1164G>C; p.Thr388=; c.768G>C, p.Thr256= (NM_001363576.1).
Identifiers: ClinVar variation 92625 (VCV000092625.31), dbSNP rs6836258, ClinGen allele CA145867.